The following is an entry in ClinVar:

ClinVar aggregate classification (germline): Likely benign (1 of 4 stars; one submission).

Submission:

CeGaT Center for Human Genetics Tuebingen
Classification: Likely benign. Last evaluated: 2026-03-01. Review status: criteria provided, single submitter. Criteria: CeGaT Center For Human Genetics Tuebingen Variant Classification Criteria Version 2. Collection method: clinical testing. Allele origin: germline. Affected: yes. Observed: 1 variant allele.
Comment: CIC: BP4, BP7

NM_001386298.1(CIC):c.7539T>A (p.Ala2513=)

Gene: CIC (capicua transcriptional repressor; plus strand). Cytogenetic location: 19q13.2.
Variant type: single nucleotide variant.
Coding change: c.7539T>A on transcript NM_001386298.1 (MANE Select); coding-DNA position 7539, T replaced by A.
Protein change: p.Ala2513=; no amino-acid change (alanine 2513 retained).
Molecular consequence: synonymous variant.
Genome position (GRCh38, 1-based): chr19:42,295,176, T>A. VCF-style: chr19-42295176-T-A. GRCh37 (hg19) VCF-style: chr19-42799328-T-A.
Other names: c.7539T>A, p.Ala2513= (NM_001304815.2); c.7536T>A, p.Ala2512= (NM_001379480.1, NM_001379482.1, NM_001439183.1); c.4806T>A, p.Ala1602= (NM_001379484.1, NM_001439191.1); c.4803T>A, p.Ala1601= (NM_001379485.1); c.7533T>A, p.Ala2511= (NM_001439184.1, NM_001439185.1, NM_001439186.1); c.7530T>A, p.Ala2510= (NM_001439187.1); c.7527T>A, p.Ala2509= (NM_001439188.1); c.4809T>A, p.Ala1603= (NM_001439189.1, NM_001439190.1); and 1 more.
Identifiers: ClinVar variation 4822547 (VCV004822547.4).